The following is an entry in ClinVar:

ClinVar aggregate classification (germline): Uncertain significance (1 of 4 stars; one submission).

Conditions:
Cardiovascular phenotype. Identifiers: MedGen CN230736.

Allele frequency attached by ClinVar (database versions not stated): gnomAD exomes below 0.00001.
gnomAD v4.1: 3 of 1,613,074 alleles (0.00019%); highest among the groups gnomAD compares: Non-Finnish European, 0.00025%; no homozygotes.

Submission:

Ambry Genetics
Classification: Uncertain significance for Cardiovascular phenotype. Last evaluated: 2022-03-23. Review status: criteria provided, single submitter. Criteria: Ambry Variant Classification Scheme 2023. Collection method: clinical testing. Allele origin: germline.
Comment: The p.K342E variant (also known as c.1024A>G), located in coding exon 8 of the NEXN gene, results from an A to G substitution at nucleotide position 1024. The lysine at codon 342 is replaced by glutamic acid, an amino acid with similar properties. This amino acid position is conserved. In addition, this alteration is predicted to be tolerated by in silico analysis. Since supporting evidence is limited at this time, the clinical significance of this alteration remains unclear.

NM_144573.4(NEXN):c.1024A>G (p.Lys342Glu)

Gene: NEXN (nexilin F-actin binding protein; plus strand). Cytogenetic location: 1p31.1.
Variant type: single nucleotide variant.
Coding change: c.1024A>G on transcript NM_144573.4 (MANE Select); coding-DNA position 1024, A replaced by G.
Protein change: p.Lys342Glu; replaces lysine 342 with glutamic acid.
Molecular consequence: missense variant.
Genome position (GRCh38, 1-based): chr1:77,929,475, A>G. VCF-style: chr1-77929475-A-G. GRCh37 (hg19) VCF-style: chr1-78395160-A-G.
Other names: c.832A>G, p.Lys278Glu (NM_001172309.2); short protein forms K342E, K278E.
Identifiers: ClinVar variation 1768986 (VCV001768986.2), dbSNP rs1367536601, ClinGen allele CA340875804.